The following is an entry in ClinVar:

NM_138694.4(PKHD1):c.1315C>T (p.Gln439Ter)

Gene: PKHD1 (PKHD1 ciliary IPT domain containing fibrocystin/polyductin; minus strand). Cytogenetic location: 6p12.2.
Variant type: single nucleotide variant.
Coding change: c.1315C>T on transcript NM_138694.4 (MANE Select); coding-DNA position 1315, C replaced by T.
Protein change: p.Gln439Ter; replaces glutamine 439 with a stop codon.
Molecular consequence: nonsense.
Genome position (GRCh38, 1-based): chr6:52,058,520, G>A on the plus strand (C>T on the coding strand, the complement: PKHD1 is on the minus strand). VCF-style: chr6-52058520-G-A. GRCh37 (hg19) VCF-style: chr6-51923318-G-A.
Other names: c.1315C>T, p.Gln439Ter (NM_170724.3); short protein forms Q439*.
Identifiers: ClinVar variation 4816577 (VCV004816577.1).

ClinVar aggregate classification (germline): Likely pathogenic (1 of 4 stars; one submission).

Conditions:
Autosomal recessive polycystic kidney disease (ARPKD). Also called: AR polycystic kidney disease. Identifiers: Orphanet 731, Orphanet 8378, MedGen C0085548, MeSH D017044, MONDO:0009889.

gnomAD v4.1: 1 of 1,614,172 alleles (0.000062%); highest among the groups gnomAD compares: South Asian, 0.0011%; no homozygotes.

Submission:

Natera, Inc.
Classification: Likely pathogenic for Autosomal recessive polycystic kidney disease. Last evaluated: 2026-01-15. Review status: criteria provided, single submitter. Criteria: Natera Variant Classification Schema (03/2026). Collection method: clinical testing. Allele origin: germline.
Comment: The c.1315C>T variant in PKHD1 is a nonsense variant predicted to introduce a stop codon at amino acid 439. This variant is expected to result in nonsense mediated decay, truncation, or a dysfunctional protein product. This variant is rare in the general population with a frequency below the threshold expected for the associated phenotype(s). Given the available evidence, this variant is classified as Likely Pathogenic.